The following is an entry in ClinVar:

NM_000059.4(BRCA2):c.9053del (p.Ser3018fs)

Gene: BRCA2 (BRCA2 DNA repair associated; plus strand). Cytogenetic location: 13q13.1.
Variant type: Deletion.
Coding change: c.9053del on transcript NM_000059.4 (MANE Select); coding-DNA position 9053, one base deleted (G; older notation c.9053delG).
Protein change: p.Ser3018fs; shifts the reading frame from serine 3018.
Molecular consequence: frameshift variant.
Genome position (GRCh38, 1-based): chr13:32,379,849, G deleted. VCF-style (leftmost placement, unchanged base first): chr13-32379848-AG-A. GRCh37 (hg19) VCF-style: chr13-32953985-AG-A.
Other names: short protein forms S3018fs.
Identifiers: ClinVar variation 1201307 (VCV001201307.3), dbSNP rs2137623099, ClinGen allele CA2499222361.

ClinVar aggregate classification (germline): Pathogenic (1 of 4 stars; one submission).

Submission:

GeneDx
Classification: Pathogenic. Last evaluated: 2019-07-05. Review status: criteria provided, single submitter. Criteria: GeneDx Variant Classification Process June 2021. Collection method: clinical testing. Allele origin: germline. Affected: yes.
Comment: Frameshift variant predicted to result in protein truncation or nonsense mediated decay in a gene for which loss-of-function is a known mechanism of disease; Not observed in large population cohorts (Lek et al., 2016); Reported as pathogenic in a well-curated database but additional evidence is not available [ref]; Has not been previously published as pathogenic or benign to our knowledge; Also known as BRCA2 9281delG using alternate nomenclature; This variant is associated with the following publications: (PMID: 31214711)